The following is an entry in ClinVar:

NM_015164.4(PLEKHM2):c.2777C>A (p.Thr926Asn)

Gene: PLEKHM2 (pleckstrin homology and RUN domain containing M2; plus strand). Cytogenetic location: 1p36.21.
Variant type: single nucleotide variant.
Coding change: c.2777C>A on transcript NM_015164.4 (MANE Select); coding-DNA position 2777, C replaced by A.
Protein change: p.Thr926Asn; replaces threonine 926 with asparagine.
Molecular consequence: missense variant.
Genome position (GRCh38, 1-based): chr1:15,732,501, C>A. VCF-style: chr1-15732501-C-A. GRCh37 (hg19) VCF-style: chr1-16058996-C-A.
Other names: c.2717C>A, p.Thr906Asn (NM_001410755.1); short protein forms T926N, T906N.
Identifiers: ClinVar variation 3660724 (VCV003660724.2).

ClinVar aggregate classification (germline): Uncertain significance (1 of 4 stars; one submission).

Submission:

Labcorp Genetics (formerly Invitae), Labcorp
Classification: Uncertain significance. Last evaluated: 2024-07-27. Review status: criteria provided, single submitter. Criteria: Invitae Variant Classification Sherloc (09022015). Collection method: clinical testing. Allele origin: germline.
Comment: This sequence change replaces threonine, which is neutral and polar, with asparagine, which is neutral and polar, at codon 926 of the PLEKHM2 protein (p.Thr926Asn). This variant is not present in population databases (gnomAD no frequency). This variant has not been reported in the literature in individuals affected with PLEKHM2-related conditions. An algorithm developed to predict the effect of missense changes on protein structure and function (PolyPhen-2) suggests that this variant is likely to be tolerated. In summary, the available evidence is currently insufficient to determine the role of this variant in disease. Therefore, it has been classified as a Variant of Uncertain Significance.